The following is an entry in ClinVar:

ClinVar aggregate classification (germline): Likely benign. Review status: criteria provided, multiple submitters, no conflicts (2 of 4 stars). 2 submissions from 2 submitters: Likely benign (2). Last evaluated 2018-06-19.

Allele frequency attached by ClinVar (database versions not stated): 1000 Genomes Project 0.01617; gnomAD 0.01677 and 0.01775; 1000 Genomes Project 30x 0.01796; TOPMed 0.01838.
gnomAD v4.1: 16,622 of 1,483,226 alleles (1.1%); highest among the groups gnomAD compares: African/African-American, 4%; 132 homozygotes.

Submissions (2):

GeneDx
Classification: Likely benign. Last evaluated: 2018-06-19. Review status: criteria provided, single submitter. Criteria: GeneDx Variant Classification (06012015). Collection method: clinical testing. Allele origin: germline. Affected: yes.
Comment: This variant is considered likely benign or benign based on one or more of the following criteria: it is a conservative change, it occurs at a poorly conserved position in the protein, it is predicted to be benign by multiple in silico algorithms, and/or has population frequency not consistent with disease.

Breakthrough Genomics
Classification: Likely benign. Review status: criteria provided, single submitter. Criteria: ACMG Guidelines, 2015. Collection method: not provided. Allele origin: germline. Inheritance: Autosomal dominant inheritance. Affected: yes.

NM_000138.5(FBN1):c.4943-69A>G

Gene: FBN1 (fibrillin 1; minus strand). Cytogenetic location: 15q21.1.
Variant type: single nucleotide variant.
Coding change: c.4943-69A>G on transcript NM_000138.5 (MANE Select); 69 bases into the intron before coding-DNA position 4943, A replaced by G.
Molecular consequence: intron variant.
Genome position (GRCh38, 1-based): chr15:48,464,090, T>C on the plus strand (A>G on the coding strand, the complement: FBN1 is on the minus strand). VCF-style: chr15-48464090-T-C. GRCh37 (hg19) VCF-style: chr15-48756287-T-C.
Identifiers: ClinVar variation 675271 (VCV000675271.2), dbSNP rs116727739, ClinGen allele CA269548428.